The following is an entry in ClinVar:

ClinVar aggregate classification (germline): Likely benign. Review status: criteria provided, multiple submitters, no conflicts (2 of 4 stars). 3 submissions from 3 submitters: Likely benign (3). Last evaluated 2024-07-09.

Conditions:
Hereditary cancer-predisposing syndrome. Also called: Hereditary Cancer Syndrome; Tumor predisposition; Hereditary neoplastic syndrome; Neoplastic Syndromes, Hereditary. Identifiers: Orphanet 140162, MedGen C0027672, MeSH D009386, MONDO:0015356.
Multiple endocrine neoplasia, type 2 (MEN2). Identifiers: Orphanet 653, MedGen C4048306, MONDO:0019003. Disease mechanism: gain of function.

gnomAD v4.1: 1 of 1,511,894 alleles (0.000066%); highest among the groups gnomAD compares: Non-Finnish European, 0.000088%; no homozygotes.

Submissions (3):

Labcorp Genetics (formerly Invitae), Labcorp
Classification: Likely benign for Multiple endocrine neoplasia, type 2. Last evaluated: 2024-07-09. Review status: criteria provided, single submitter. Criteria: Invitae Variant Classification Sherloc (09022015). Collection method: clinical testing. Allele origin: germline.

CeGaT Center for Human Genetics Tuebingen
Classification: Likely benign. Last evaluated: 2022-08-01. Review status: criteria provided, single submitter. Criteria: CeGaT Center For Human Genetics Tuebingen Variant Classification Criteria Version 2. Collection method: clinical testing. Allele origin: germline. Affected: yes. Observed: 1 variant allele.
Comment: RET: PM2:Supporting, BP4, BP7

Ambry Genetics
Classification: Likely benign for Hereditary cancer-predisposing syndrome. Last evaluated: 2019-06-26. Review status: criteria provided, single submitter. Criteria: Ambry Variant Classification Scheme 2023. Collection method: clinical testing. Allele origin: germline.

NM_020975.6(RET):c.49C>T (p.Leu17=)

Gene: RET (ret proto-oncogene; plus strand). Cytogenetic location: 10q11.21.
Variant type: single nucleotide variant.
Coding change: c.49C>T on transcript NM_020975.6 (MANE Select); coding-DNA position 49, C replaced by T.
Protein change: p.Leu17=; no amino-acid change (leucine 17 retained).
Molecular consequence: synonymous variant.
Genome position (GRCh38, 1-based): chr10:43,077,307, C>T. VCF-style: chr10-43077307-C-T. GRCh37 (hg19) VCF-style: chr10-43572755-C-T.
Other names: c.49C>T, p.Leu17= (NM_000323.2, NM_001406743.1, NM_001406744.1 and 38 more transcripts).
Identifiers: ClinVar variation 762646 (VCV000762646.38), dbSNP rs1328756940, ClinGen allele CA469275018.
Genomic context (GRCh38, chr10:43,077,307, plus strand): 5'-CGCGCACGGGCGATGGCGAAGGCGACGTCCGGTGCCGCGGGGCTGCGTCTGCTGTTGCTG[C>T]TGCTGCTGCCGCTGCTAGGCAAAGGTGAGTTCTGCCGGCCGCCGGCTCCCGCAGGGGCCA-3'
Protein context (NP_066124.1, residues 7-27): GAAGLRLLLL[Leu17=]LLPLLGKVAL